The following is an entry in ClinVar:

NM_001035.3(RYR2):c.10143-19T>C

Gene: RYR2 (ryanodine receptor 2; plus strand). Cytogenetic location: 1q43.
Variant type: single nucleotide variant.
Coding change: c.10143-19T>C on transcript NM_001035.3 (MANE Select); 19 bases into the intron before coding-DNA position 10143, T replaced by C.
Molecular consequence: intron variant.
Genome position (GRCh38, 1-based): chr1:237,709,461, T>C. VCF-style: chr1-237709461-T-C. GRCh37 (hg19) VCF-style: chr1-237872761-T-C.
Other names: c.10143-19T>C (LRG_402t1).
Identifiers: ClinVar variation 378492 (VCV000378492.17), dbSNP rs373127797, ClinGen allele CA084182.

ClinVar aggregate classification (germline): Benign/Likely benign. Review status: criteria provided, multiple submitters, no conflicts (2 of 4 stars). 4 submissions from 4 submitters: Benign (1); Likely benign (3). Last evaluated 2026-01-26.

Conditions:
Catecholaminergic polymorphic ventricular tachycardia 1. Also called: RYR2-Related Catecholaminergic Polymorphic Ventricular Tachycardia; VENTRICULAR TACHYCARDIA, STRESS-INDUCED POLYMORPHIC 1; VENTRICULAR TACHYCARDIA, CATECHOLAMINERGIC POLYMORPHIC, 1, WITH OR WITHOUT ATRIAL DYSFUNCTION AND/OR DILATED CARDIOMYOPATHY. Identifiers: Orphanet 3286, MedGen C1631597, MONDO:0011484, OMIM 604772.

Allele frequency attached by ClinVar (database versions not stated): gnomAD exomes 0.00002 and 0.00006; ExAC 0.00010; 1000 Genomes Project 30x 0.00016; TOPMed 0.00018; 1000 Genomes Project 0.00020; gnomAD 0.00020 and 0.00021; ESP Exome Variant Server 0.00025.
gnomAD v4.1: 64 of 1,542,790 alleles (0.0041%); highest among the groups gnomAD compares: African/African-American, 0.079%; no homozygotes.

Submissions (4):

Labcorp Genetics (formerly Invitae), Labcorp
Classification: Likely benign for Catecholaminergic polymorphic ventricular tachycardia 1. Last evaluated: 2026-01-26. Review status: criteria provided, single submitter. Criteria: Invitae Variant Classification Sherloc (09022015). Collection method: clinical testing. Allele origin: germline.

Women's Health and Genetics/Laboratory Corporation of America, LabCorp
Classification: Benign. Last evaluated: 2025-03-07. Review status: criteria provided, single submitter. Criteria: LabCorp Variant Classification Summary - May 2015. Collection method: clinical testing. Allele origin: germline.

ARUP Laboratories, Molecular Genetics and Genomics, ARUP Laboratories
Classification: Likely benign. Last evaluated: 2020-10-01. Review status: criteria provided, single submitter. Criteria: ARUP Molecular Germline Variant Investigation Process 2021. Collection method: clinical testing. Allele origin: germline.

GeneDx
Classification: Likely benign. Last evaluated: 2016-10-14. Review status: criteria provided, single submitter. Criteria: GeneDx Variant Classification (06012015). Collection method: clinical testing. Allele origin: germline. Affected: yes.
Comment: This variant is considered likely benign or benign based on one or more of the following criteria: it is a conservative change, it occurs at a poorly conserved position in the protein, it is predicted to be benign by multiple in silico algorithms, and/or has population frequency not consistent with disease.